The following is an entry in ClinVar:

ClinVar aggregate classification (germline): Uncertain significance. Review status: criteria provided, multiple submitters, no conflicts (2 of 4 stars). 3 submissions from 3 submitters: Uncertain significance (3). Last evaluated 2026-04-21.

Conditions:
Inborn genetic diseases. Identifiers: MedGen C0950123, MeSH D030342.
Combined immunodeficiency due to DOCK8 deficiency (HIES2). Also called: HYPER-IgE RECURRENT INFECTION SYNDROME 2, AUTOSOMAL RECESSIVE; HIES autosomal recessive; HYPER-IgE SYNDROME 2, AUTOSOMAL RECESSIVE, WITH RECURRENT INFECTIONS; DOCK8 Deficiency; Hyper-IgE recurrent infection syndrome, autosomal recessive. Identifiers: Orphanet 217390, MedGen C4722305, MONDO:0009478, OMIM 243700.

Allele frequency attached by ClinVar (database versions not stated): gnomAD exomes below 0.00001; ExAC 0.00003; gnomAD 0.00013; TOPMed 0.00012; ESP Exome Variant Server 0.00023.
gnomAD v4.1: 25 of 1,614,112 alleles (0.0015%); highest among the groups gnomAD compares: African/African-American, 0.032%; no homozygotes.

Submissions (3):

GeneDx
Classification: Uncertain significance. Last evaluated: 2026-04-21. Review status: criteria provided, single submitter. Criteria: GeneDx Variant Classification Process June 2021. Collection method: clinical testing. Allele origin: germline.
Comment: In silico analysis suggests that this missense variant does not alter protein structure/function; Has not been previously published as pathogenic or benign to our knowledge

Ambry Genetics
Classification: Uncertain significance for Inborn genetic diseases. Last evaluated: 2024-08-12. Review status: criteria provided, single submitter. Criteria: Ambry Variant Classification Scheme 2023. Collection method: clinical testing. Allele origin: germline.

Labcorp Genetics (formerly Invitae), Labcorp
Classification: Uncertain significance for Combined immunodeficiency due to DOCK8 deficiency. Last evaluated: 2024-07-19. Review status: criteria provided, single submitter. Criteria: Invitae Variant Classification Sherloc (09022015). Collection method: clinical testing. Allele origin: germline.
Comment: This sequence change replaces alanine, which is neutral and non-polar, with proline, which is neutral and non-polar, at codon 1252 of the DOCK8 protein (p.Ala1252Pro). This variant is present in population databases (rs142495501, gnomAD 0.03%). This variant has not been reported in the literature in individuals affected with DOCK8-related conditions. ClinVar contains an entry for this variant (Variation ID: 2161253). Advanced modeling of protein sequence and biophysical properties (such as structural, functional, and spatial information, amino acid conservation, physicochemical variation, residue mobility, and thermodynamic stability) performed at Invitae indicates that this missense variant is not expected to disrupt DOCK8 protein function with a negative predictive value of 80%. In summary, the available evidence is currently insufficient to determine the role of this variant in disease. Therefore, it has been classified as a Variant of Uncertain Significance.

NM_203447.4(DOCK8):c.3754G>C (p.Ala1252Pro)

Gene: DOCK8 (dedicator of cytokinesis 8; plus strand). Cytogenetic location: 9p24.3.
Variant type: single nucleotide variant.
Coding change: c.3754G>C on transcript NM_203447.4 (MANE Select); coding-DNA position 3754, G replaced by C.
Protein change: p.Ala1252Pro; replaces alanine 1252 with proline.
Molecular consequence: missense variant.
Genome position (GRCh38, 1-based): chr9:418,121, G>C. VCF-style: chr9-418121-G-C. GRCh37 (hg19) VCF-style: chr9-418121-G-C.
Other names: c.3454G>C, p.Ala1152Pro (NM_001190458.2); c.3550G>C, p.Ala1184Pro (NM_001193536.2); short protein forms A1152P, A1252P, A1184P.
Identifiers: ClinVar variation 2161253 (VCV002161253.6), dbSNP rs142495501, ClinGen allele CA4958816.